The following is an entry in ClinVar:

NM_000222.3(KIT):c.1894A>G (p.Thr632Ala)

Gene: KIT (KIT proto-oncogene, receptor tyrosine kinase; plus strand). Cytogenetic location: 4q12.
Variant type: single nucleotide variant.
Coding change: c.1894A>G on transcript NM_000222.3 (MANE Select); coding-DNA position 1894, A replaced by G.
Protein change: p.Thr632Ala; replaces threonine 632 with alanine.
Molecular consequence: missense variant.
Genome position (GRCh38, 1-based): chr4:54,728,025, A>G. VCF-style: chr4-54728025-A-G. GRCh37 (hg19) VCF-style: chr4-55594191-A-G.
Other names: c.1885A>G, p.Thr629Ala (NM_001385288.1, NM_001385292.1); c.1897A>G, p.Thr633Ala (NM_001385290.1, NM_001385284.1); c.1882A>G, p.Thr628Ala (NM_001093772.2, NM_001385286.1); c.1894A>G, p.Thr632Ala (NM_001385285.1); short protein forms T628A, T629A, T632A, T633A.
Identifiers: ClinVar variation 3662089 (VCV003662089.2).

ClinVar aggregate classification (germline): Uncertain significance (1 of 4 stars; one submission).

Conditions:
Gastrointestinal stromal tumor. Also called: Gastrointestinal stromal tumor, somatic; Gastrointestinal stroma tumor. Identifiers: Orphanet 44890, MedGen C0238198, MeSH D046152, MONDO:0011719, OMIM 606764, HP:0100723.

gnomAD v4.1: 1 of 1,613,992 alleles (0.000062%); highest among the groups gnomAD compares: Non-Finnish European, 0.000085%; no homozygotes.

Submission:

Labcorp Genetics (formerly Invitae), Labcorp
Classification: Uncertain significance for Gastrointestinal stromal tumor. Last evaluated: 2024-08-12. Review status: criteria provided, single submitter. Criteria: Invitae Variant Classification Sherloc (09022015). Collection method: clinical testing. Allele origin: germline.
Comment: This sequence change replaces threonine, which is neutral and polar, with alanine, which is neutral and non-polar, at codon 632 of the KIT protein (p.Thr632Ala). This variant is not present in population databases (gnomAD no frequency). This variant has not been reported in the literature in individuals affected with KIT-related conditions. An algorithm developed to predict the effect of missense changes on protein structure and function (PolyPhen-2) suggests that this variant is likely to be disruptive. In summary, the available evidence is currently insufficient to determine the role of this variant in disease. Therefore, it has been classified as a Variant of Uncertain Significance.